The following is an entry in ClinVar:

ClinVar aggregate classification (germline): Pathogenic. Review status: criteria provided, multiple submitters, no conflicts (2 of 4 stars). 2 submissions from 2 submitters: Pathogenic (2). Last evaluated 2024-07-10.

Conditions:
Hereditary cancer-predisposing syndrome. Also called: Hereditary Cancer Syndrome; Tumor predisposition; Hereditary neoplastic syndrome; Neoplastic Syndromes, Hereditary. Identifiers: Orphanet 140162, MedGen C0027672, MeSH D009386, MONDO:0015356.
Familial cancer of breast. Also called: BREAST CANCER, FAMILIAL; Hereditary breast cancer; hereditary breast carcinoma. Identifiers: Orphanet 227535, MedGen C0346153, MONDO:0016419, OMIM 114480. Disease mechanism: loss of function.

Submissions (2):

Myriad Genetics, Inc.
Classification: Pathogenic for Familial cancer of breast. Last evaluated: 2024-07-10. Review status: criteria provided, single submitter. Criteria: Myriad Autosomal Dominant, Autosomal Recessive and X-Linked Classification Criteria (2023). Collection method: clinical testing. Allele origin: unknown.
Comment: This variant is considered pathogenic. This variant creates a frameshift predicted to result in premature protein truncation.

Ambry Genetics
Classification: Pathogenic for Hereditary cancer-predisposing syndrome. Last evaluated: 2024-06-01. Review status: criteria provided, single submitter. Criteria: Ambry Variant Classification Scheme 2023. Collection method: clinical testing. Allele origin: germline.
Comment: The c.293delA pathogenic mutation, located in coding exon 3 of the BARD1 gene, results from a deletion of one nucleotide at nucleotide position 293, causing a translational frameshift with a predicted alternate stop codon (p.N98Ifs*7). This variant is considered to be rare based on population cohorts in the Genome Aggregation Database (gnomAD). This alteration is expected to result in loss of function by premature protein truncation or nonsense-mediated mRNA decay. As such, this alteration is interpreted as a disease-causing mutation.

NM_000465.4(BARD1):c.293del (p.Asn98fs)

Gene: BARD1 (BRCA1 associated RING domain 1; minus strand). Cytogenetic location: 2q35.
Variant type: Deletion.
Coding change: c.293del on transcript NM_000465.4 (MANE Select); coding-DNA position 293, one base deleted (A; older notation c.293delA).
Protein change: p.Asn98fs; shifts the reading frame from asparagine 98.
Molecular consequence: frameshift variant. On other transcripts: non-coding transcript variant (1), intron variant (2).
Genome position (GRCh38, 1-based): chr2:214,792,368, T deleted on the plus strand (A on the coding strand, the reverse complement: BARD1 is on the minus strand); the first of 3 consecutive T bases (chr2:214,792,368-214,792,370); deleting any one gives the same sequence. VCF-style (leftmost placement, unchanged base first): chr2-214792367-AT-A. GRCh37 (hg19) VCF-style: chr2-215657091-AT-A.
Other names: c.236del, p.Asn79fs (NM_001282543.2); c.293del, p.Asn98fs (NM_001282549.2); c.158+17044del (NM_001282548.2); c.215+4693del (NM_001282545.2); short protein forms N79fs, N98fs.
Identifiers: ClinVar variation 3260409 (VCV003260409.2).